The following is an entry in ClinVar:

NM_000090.4(COL3A1):c.3893C>A (p.Thr1298Asn)

Gene: COL3A1 (collagen type III alpha 1 chain; plus strand). Cytogenetic location: 2q32.2.
Variant type: single nucleotide variant.
Coding change: c.3893C>A on transcript NM_000090.4 (MANE Select); coding-DNA position 3893, C replaced by A.
Protein change: p.Thr1298Asn; replaces threonine 1298 with asparagine.
Molecular consequence: missense variant.
Genome position (GRCh38, 1-based): chr2:189,010,247, C>A. VCF-style: chr2-189010247-C-A. GRCh37 (hg19) VCF-style: chr2-189874973-C-A.
Other names: short protein forms T1298N.
Identifiers: ClinVar variation 3069367 (VCV003069367.1), dbSNP rs2469168917, ClinGen allele CA349848586.
Genomic context (GRCh38, chr2:189,010,247, plus strand): 5'-GGGTTGACCCTAACCAAGGATGCAAATTGGATGCTATCAAGGTATTCTGTAATATGGAAA[C>A]TGGGGAAACATGCATAAGTGCCAATCCTTTGAATGTTCCACGGAAACACTGGTGGACAGA-3'
Protein context (NP_000081.2, residues 1288-1308): DAIKVFCNME[Thr1298Asn]GETCISANPL

ClinVar aggregate classification (germline): Uncertain significance (1 of 4 stars; one submission).

Conditions:
Ehlers-Danlos syndrome, type 4 (EDSVASC). Also called: Ehlers-Danlos Syndrome Type IV; Ehlers-Danlos syndrome vascular type; Ehlers Danlos syndrome, ecchymotic type; Ehlers Danlos syndrome, arterial type; Ehlers Danlos syndrome, Sack-Barabas type. Identifiers: Orphanet 286, MedGen C0268338, MONDO:0017314, OMIM 130050.

Submission:

All of Us Research Program, National Institutes of Health
Classification: Uncertain significance for Ehlers-Danlos syndrome, type 4. Last evaluated: 2023-02-15. Review status: criteria provided, single submitter. Criteria: ACMG Guidelines, 2015. Collection method: clinical testing. Allele origin: germline. Inheritance: Autosomal dominant inheritance. Observed: 1 variant allele, 1 heterozygote.
Comment: This missense variant replaces threonine with asparagine at codon 1298 of the COL3A1 protein. Computational prediction is inconclusive regarding the impact of this variant on protein structure and function (internally defined REVEL score threshold 0.5 < inconclusive < 0.7, PMID: 27666373). To our knowledge, functional studies have not been reported for this variant. This variant has not been reported in individuals affected with cardiovascular disorders in the literature. This variant has not been identified in the general population by the Genome Aggregation Database (gnomAD). The available evidence is insufficient to determine the role of this variant in disease conclusively. Therefore, this variant is classified as a Variant of Uncertain Significance.

This study involves interpretation of variants in research participants for the purpose of population health screening. Participant phenotype was not available at the time of variant classification. Additional details can be found in publication PMID: 35346344, PMCID: PMC8962531